The following is an entry in ClinVar:

NM_152365.3(KDF1):c.860_886dup (p.Gly295_Arg296insHisLeuAspGluGlnAspAlaGluGly)

Gene: KDF1 (keratinocyte differentiation factor 1; minus strand). Cytogenetic location: 1p36.11.
Variant type: Duplication.
Coding change: c.860_886dup on transcript NM_152365.3 (MANE Select); coding-DNA positions 860 to 886, 27 bases duplicated (ACCTGGATGAGCAGGATGCTGAGGGCC).
Protein change: p.Gly295_Arg296insHisLeuAspGluGlnAspAlaGluGly.
Molecular consequence: inframe insertion.
Genome position (GRCh38, 1-based): chr1:26,951,495-26,951,521, GGCCCTCAGCATCCTGCTCATCCAGGT duplicated on the plus strand (ACCTGGATGAGCAGGATGCTGAGGGCC on the coding strand, the reverse complement: KDF1 is on the minus strand); duplicating any 27 consecutive bases within chr1:26,951,495-26,951,523 gives the same sequence; the c. name uses the placement nearest the transcript's 3' end. VCF-style (leftmost placement, unchanged base first): chr1-26951494-C-CGGCCCTCAGCATCCTGCTCATCCAGGT. GRCh37 (hg19) VCF-style: chr1-27277985-C-CGGCCCTCAGCATCCTGCTCATCCAGGT.
Identifiers: ClinVar variation 1996322 (VCV001996322.4), dbSNP rs2522715672, ClinGen allele CA2580062654.

ClinVar aggregate classification (germline): Uncertain significance (1 of 4 stars; one submission).

Submission:

Labcorp Genetics (formerly Invitae), Labcorp
Classification: Uncertain significance. Last evaluated: 2022-05-19. Review status: criteria provided, single submitter. Criteria: Invitae Variant Classification Sherloc (09022015). Collection method: clinical testing. Allele origin: germline.
Comment: This variant, c.860_886dup, results in the insertion of 9 amino acid(s) of the KDF1 protein (p.His287_Gly295dup), but otherwise preserves the integrity of the reading frame. This variant is not present in population databases (gnomAD no frequency). This variant has not been reported in the literature in individuals affected with KDF1-related conditions. In summary, the available evidence is currently insufficient to determine the role of this variant in disease. Therefore, it has been classified as a Variant of Uncertain Significance.